The following is an entry in ClinVar:

NM_001354604.2(MITF):c.802C>G (p.Gln268Glu)

Gene: MITF (melanocyte inducing transcription factor; plus strand). Cytogenetic location: 3p13.
Variant type: single nucleotide variant.
Coding change: c.802C>G on transcript NM_001354604.2 (MANE Select); coding-DNA position 802, C replaced by G.
Protein change: p.Gln268Glu; replaces glutamine 268 with glutamic acid.
Molecular consequence: missense variant.
Genome position (GRCh38, 1-based): chr3:69,949,090, C>G. VCF-style: chr3-69949090-C-G. GRCh37 (hg19) VCF-style: chr3-69998241-C-G.
Other names: c.481C>G, p.Gln161Glu (NM_000248.4, NM_198158.3); c.646C>G, p.Gln216Glu (NM_001184967.2, NM_001354608.2); c.799C>G, p.Gln267Glu (NM_001354605.2, NM_001354606.2, NM_006722.3); c.751C>G, p.Gln251Glu (NM_001354607.2); c.802C>G, p.Gln268Glu (NM_198159.3); c.754C>G, p.Gln252Glu (NM_198177.3); c.313C>G, p.Gln105Glu (NM_198178.3); short protein forms Q105E, Q161E, Q216E, Q251E, Q252E, Q267E, Q268E.
Identifiers: ClinVar variation 3756754 (VCV003756754.3).

ClinVar aggregate classification (germline): Uncertain significance. Review status: criteria provided, multiple submitters, no conflicts (2 of 4 stars). 2 submissions from 2 submitters: Uncertain significance (2). Last evaluated 2024-12-29.

Conditions:
Tietz syndrome (TADS). Also called: HYPOPIGMENTATION/DEAFNESS OF TIETZ; TIETZ ALBINISM-DEAFNESS SYNDROME; ALBINISM-DEAFNESS OF TIETZ. Identifiers: Orphanet 42665, MedGen C0391816, MONDO:0007077, OMIM 103500.
Waardenburg syndrome type 2A (WS2A). Also called: WAARDENBURG SYNDROME WITHOUT DYSTOPIA CANTHORUM. Identifiers: Orphanet 3440, MedGen C1860339, MONDO:0008671, OMIM 193510.
Melanoma, cutaneous malignant, susceptibility to, 8. Also called: MELANOMA AND RENAL CELL CARCINOMA, SUSCEPTIBILITY TO; Cutaneous malignant melanoma 8. Identifiers: Orphanet 293822, MedGen C3152204, MONDO:0013759, OMIM 614456.
Hereditary cancer-predisposing syndrome. Also called: Tumor predisposition; Hereditary Cancer Syndrome; Hereditary neoplastic syndrome; Neoplastic Syndromes, Hereditary. Identifiers: Orphanet 140162, MedGen C0027672, MeSH D009386, MONDO:0015356.

gnomAD v4.1: 1 of 1,613,516 alleles (0.000062%); highest among the groups gnomAD compares: Non-Finnish European, 0.000085%; no homozygotes.

Submissions (2):

Ambry Genetics
Classification: Uncertain significance for Hereditary cancer-predisposing syndrome. Last evaluated: 2024-12-29. Review status: criteria provided, single submitter. Criteria: Ambry Variant Classification Scheme 2023. Collection method: clinical testing. Allele origin: germline.
Comment: The p.Q161E variant (also known as c.481C>G), located in coding exon 5 of the MITF gene, results from a C to G substitution at nucleotide position 481. The glutamine at codon 161 is replaced by glutamic acid, an amino acid with highly similar properties. This amino acid position is conserved. In addition, this alteration is predicted to be tolerated by in silico analysis. Based on the available evidence, the clinical significance of this variant remains unclear.

Labcorp Genetics (formerly Invitae), Labcorp
Classification: Uncertain significance for Melanoma, cutaneous malignant, susceptibility to, 8; Waardenburg syndrome type 2A; Tietz syndrome. Last evaluated: 2024-06-10. Review status: criteria provided, single submitter. Criteria: Invitae Variant Classification Sherloc (09022015). Collection method: clinical testing. Allele origin: germline.
Comment: This sequence change replaces glutamine, which is neutral and polar, with glutamic acid, which is acidic and polar, at codon 161 of the MITF protein (p.Gln161Glu). This variant is present in population databases (rs769822377, gnomAD 0.0009%). This variant has not been reported in the literature in individuals affected with MITF-related conditions. Advanced modeling of protein sequence and biophysical properties (such as structural, functional, and spatial information, amino acid conservation, physicochemical variation, residue mobility, and thermodynamic stability) performed at Invitae indicates that this missense variant is not expected to disrupt MITF protein function with a negative predictive value of 80%. In summary, the available evidence is currently insufficient to determine the role of this variant in disease. Therefore, it has been classified as a Variant of Uncertain Significance.